The following is an entry in ClinVar:

ClinVar aggregate classification (germline): Uncertain significance (1 of 4 stars; one submission).

Submission:

Labcorp Genetics (formerly Invitae), Labcorp
Classification: Uncertain significance. Last evaluated: 2022-08-15. Review status: criteria provided, single submitter. Criteria: Invitae Variant Classification Sherloc (09022015). Collection method: clinical testing. Allele origin: germline.
Comment: This sequence change replaces glutamic acid, which is acidic and polar, with lysine, which is basic and polar, at codon 354 of the PDZD7 protein (p.Glu354Lys). This variant is not present in population databases (gnomAD no frequency). This variant has not been reported in the literature in individuals affected with PDZD7-related conditions. ClinVar contains an entry for this variant (Variation ID: 1363180). Algorithms developed to predict the effect of missense changes on protein structure and function are either unavailable or do not agree on the potential impact of this missense change (SIFT: "Deleterious"; PolyPhen-2: "Not Available"; Align-GVGD: "Class C0"). In summary, the available evidence is currently insufficient to determine the role of this variant in disease. Therefore, it has been classified as a Variant of Uncertain Significance.

NM_001195263.2(PDZD7):c.1060G>A (p.Glu354Lys)

Gene: PDZD7 (PDZ domain containing 7; minus strand). Cytogenetic location: 10q24.31.
Variant type: single nucleotide variant.
Coding change: c.1060G>A on transcript NM_001195263.2 (MANE Select); coding-DNA position 1060, G replaced by A.
Protein change: p.Glu354Lys; replaces glutamic acid 354 with lysine.
Molecular consequence: missense variant.
Genome position (GRCh38, 1-based): chr10:101,019,086, C>T on the plus strand (G>A on the coding strand, the complement: PDZD7 is on the minus strand). VCF-style: chr10-101019086-C-T. GRCh37 (hg19) VCF-style: chr10-102778843-C-T.
Other names: c.1060G>A, p.Glu354Lys (NM_001351044.2, NM_024895.5); short protein forms E354K.
Identifiers: ClinVar variation 1363180 (VCV001363180.6), dbSNP rs1333858817, ClinGen allele CA378228827.